The following is an entry in ClinVar:

NM_001369268.1(ACAN):c.736T>C (p.Cys246Arg)

Gene: ACAN (aggrecan; plus strand). Cytogenetic location: 15q26.1.
Variant type: single nucleotide variant.
Coding change: c.736T>C on transcript NM_001369268.1 (MANE Select); coding-DNA position 736, T replaced by C.
Protein change: p.Cys246Arg; replaces cysteine 246 with arginine.
Molecular consequence: missense variant.
Genome position (GRCh38, 1-based): chr15:88,841,846, T>C. VCF-style: chr15-88841846-T-C. GRCh37 (hg19) VCF-style: chr15-89385077-T-C.
Other names: c.736T>C, p.Cys246Arg (NM_001135.4, NM_001411096.1, NM_001411097.1 and 1 more transcripts); c.736T>C (NM_013227.3); short protein forms C246R.
Identifiers: ClinVar variation 3640216 (VCV003640216.3).

ClinVar aggregate classification (germline): Uncertain significance. Review status: criteria provided, multiple submitters, no conflicts (2 of 4 stars). 2 submissions from 2 submitters: Uncertain significance (2). Last evaluated 2025-04-16.

Submissions (2):

GeneDx
Classification: Uncertain significance. Last evaluated: 2025-04-16. Review status: criteria provided, single submitter. Criteria: GeneDx Variant Classification Process June 2021. Collection method: clinical testing. Allele origin: germline. Affected: yes.
Comment: Not observed at significant frequency in large population cohorts (gnomAD); In silico analysis supports that this missense variant has a deleterious effect on protein structure/function; Has not been previously published as pathogenic or benign to our knowledge

Labcorp Genetics (formerly Invitae), Labcorp
Classification: Uncertain significance. Last evaluated: 2025-02-15. Review status: criteria provided, single submitter. Criteria: Invitae Variant Classification Sherloc (09022015). Collection method: clinical testing. Allele origin: germline.
Comment: This sequence change replaces cysteine, which is neutral and slightly polar, with arginine, which is basic and polar, at codon 246 of the ACAN protein (p.Cys246Arg). This variant is not present in population databases (gnomAD no frequency). This variant has not been reported in the literature in individuals affected with ACAN-related conditions. Invitae Evidence Modeling of protein sequence and biophysical properties (such as structural, functional, and spatial information, amino acid conservation, physicochemical variation, residue mobility, and thermodynamic stability) indicates that this missense variant is not expected to disrupt ACAN protein function with a negative predictive value of 80%. In summary, the available evidence is currently insufficient to determine the role of this variant in disease. Therefore, it has been classified as a Variant of Uncertain Significance.